The following is an entry in ClinVar:

ClinVar aggregate classification (germline): Benign. Review status: criteria provided, single submitter (1 of 4 stars). 2 submissions from 1 submitter: Benign (2). Last evaluated 2018-01-13.

Conditions:
Acrodysostosis 1 with or without hormone resistance (ACRDYS1). Also called: ACRODYSOSTOSIS WITH HORMONE RESISTANCE; ACRODYSOSTOSIS 1 WITH HORMONE RESISTANCE; ACRODYSOSTOSIS 1 WITHOUT HORMONE RESISTANCE. Identifiers: Orphanet 280651, MedGen C3276228, MONDO:0007044, OMIM 101800.
Carney complex, type 1 (CNC1). Also called: CARNEY COMPLEX, TYPE I; CARNEY MYXOMA-ENDOCRINE COMPLEX. Identifiers: Orphanet 1359, MedGen C2607929, MONDO:0008057, OMIM 160980.

Allele frequency attached by ClinVar (database versions not stated): TOPMed 0.00187; 1000 Genomes Project 30x 0.00234; 1000 Genomes Project 0.00260.
gnomAD v4.1: 272 of 153,980 alleles (0.18%); highest among the groups gnomAD compares: African/African-American, 0.55%; 1 homozygote.

Submissions (2):

Illumina Laboratory Services, Illumina
Classification: Benign for Acrodysostosis 1 with or without hormone resistance. Last evaluated: 2018-01-13. Review status: criteria provided, single submitter. Criteria: ICSL Variant Classification Criteria 13 December 2019. Collection method: clinical testing. Allele origin: germline.
Comment: This variant was observed in the ICSL laboratory as part of a predisposition screen in an ostensibly healthy population. It had not been previously curated by ICSL or reported in the Human Gene Mutation Database (HGMD: prior to June 1st, 2018), and was therefore a candidate for classification through an automated scoring system. Utilizing variant allele frequency, disease prevalence and penetrance estimates, and inheritance mode, an automated score was calculated to assess if this variant is too frequent to cause the disease. Based on the score and internal cut-off values, a variant classified as benign is not then subjected to further curation. The score for this variant resulted in a classification of benign for this disease.

Illumina Laboratory Services, Illumina
Classification: Benign for Carney complex, type 1. Last evaluated: 2018-01-13. Review status: criteria provided, single submitter. Criteria: ICSL Variant Classification Criteria 13 December 2019. Collection method: clinical testing. Allele origin: germline.
Comment: the same text as in the submission from Illumina Laboratory Services, Illumina above.

NM_002734.5(PRKAR1A):c.-75G>T

Gene: PRKAR1A (protein kinase cAMP-dependent type I regulatory subunit alpha; plus strand). Cytogenetic location: 17q24.2.
Variant type: single nucleotide variant.
Coding change: c.-75G>T on transcript NM_002734.5 (MANE Select); 75 bases upstream of the start codon, G replaced by T.
Molecular consequence: 5 prime UTR variant. On other transcripts: intron variant (3).
Genome position (GRCh38, 1-based): chr17:68,512,480, G>T. VCF-style: chr17-68512480-G-T. GRCh37 (hg19) VCF-style: chr17-66508621-G-T.
Other names: c.-208G>T (NM_001276289.2); c.-106G>T (NM_212472.2); c.-6-2914G>T (NM_001278433.2); c.-140+338G>T (NM_001369389.1); c.-7+338G>T (NM_212471.3).
Identifiers: ClinVar variation 324776 (VCV000324776.5), dbSNP rs559757120, ClinGen allele CA10646579.